The following is an entry in ClinVar:

NM_005585.5(SMAD6):c.784A>C (p.Asn262His)

Gene: SMAD6 (SMAD family member 6; plus strand). Cytogenetic location: 15q22.31.
Variant type: single nucleotide variant.
Coding change: c.784A>C on transcript NM_005585.5 (MANE Select); coding-DNA position 784, A replaced by C.
Protein change: p.Asn262His; replaces asparagine 262 with histidine.
Molecular consequence: missense variant. On other transcripts: non-coding transcript variant (1).
Genome position (GRCh38, 1-based): chr15:66,704,042, A>C. VCF-style: chr15-66704042-A-C. GRCh37 (hg19) VCF-style: chr15-66996380-A-C.
Other names: short protein forms N262H.
Identifiers: ClinVar variation 2662665 (VCV002662665.1), dbSNP rs1270534646, ClinGen allele CA392950240.

ClinVar aggregate classification (germline): Uncertain significance (1 of 4 stars; one submission).

gnomAD v4.1: 2 of 1,511,110 alleles (0.00013%); highest among the groups gnomAD compares: Non-Finnish European, 0.00018%; no homozygotes.

Submission:

GeneDx
Classification: Uncertain significance. Last evaluated: 2023-04-21. Review status: criteria provided, single submitter. Criteria: GeneDx Variant Classification Process June 2021. Collection method: clinical testing. Allele origin: germline. Affected: yes.
Comment: Not observed at significant frequency in large population cohorts (gnomAD); In silico analysis supports that this missense variant has a deleterious effect on protein structure/function; Has not been previously published as pathogenic or benign to our knowledge